The following is an entry in ClinVar:

NM_005862.3(STAG1):c.1019A>T (p.His340Leu)

Gene: STAG1 (STAG1 cohesin complex component; minus strand). Cytogenetic location: 3q22.3.
Variant type: single nucleotide variant.
Coding change: c.1019A>T on transcript NM_005862.3 (MANE Select); coding-DNA position 1019, A replaced by T.
Protein change: p.His340Leu; replaces histidine 340 with leucine.
Molecular consequence: missense variant.
Genome position (GRCh38, 1-based): chr3:136,477,296, T>A on the plus strand (A>T on the coding strand, the complement: STAG1 is on the minus strand). VCF-style: chr3-136477296-T-A. GRCh37 (hg19) VCF-style: chr3-136196138-T-A.
Other names: short protein forms H340L.
Identifiers: ClinVar variation 5008395 (VCV005008395.1).
Genomic context (GRCh38, chr3:136,477,296, plus strand): 5'-TTAGTACTGAGACAAACATAACTTCCATCAAAGCTTAGAACAGAGTAACTTACCCTGTCA[T>A]GAAGAGTCCAGCCAACATATTTTAGGTAACTGTCATTTAGGAAGGCATCACTATACATTT-3'
Protein context (NP_005853.2, residues 330-350): SYLKYVGWTL[His340Leu]DRQGEVRLKC

ClinVar aggregate classification (germline): Uncertain significance (1 of 4 stars; one submission).

Submission:

GeneDx
Classification: Uncertain significance. Last evaluated: 2026-03-04. Review status: criteria provided, single submitter. Criteria: GeneDx Variant Classification Process June 2021. Collection method: clinical testing. Allele origin: germline.
Comment: Not observed at significant frequency in large population cohorts (gnomAD); In silico analysis supports that this missense variant has a deleterious effect on protein structure/function; Has not been previously published as pathogenic or benign to our knowledge